The following is an entry in ClinVar:

NM_000397.4(CYBB):c.1500T>G (p.Asp500Glu)

Gene: CYBB (cytochrome b-245 beta chain; plus strand). Cytogenetic location: Xp11.4.
Variant type: single nucleotide variant.
Coding change: c.1500T>G on transcript NM_000397.4 (MANE Select); coding-DNA position 1500, T replaced by G.
Protein change: p.Asp500Glu; replaces aspartic acid 500 with glutamic acid.
Molecular consequence: missense variant.
Genome position (GRCh38, 1-based): chrX:37,809,605, T>G. VCF-style: chrX-37809605-T-G. GRCh37 (hg19) VCF-style: chrX-37668858-T-G.
Other names: short protein forms D500E.
Identifiers: ClinVar variation 2138524 (VCV002138524.4), dbSNP rs2519213323, ClinGen allele CA412978422.

ClinVar aggregate classification (germline): Pathogenic (1 of 4 stars; one submission).

Conditions:
Granulomatous disease, chronic, X-linked. Also called: GRANULOMATOUS DISEASE, CHRONIC, X-LINKED, SOMATIC MOSAIC; CYTOCHROME b-NEGATIVE GRANULOMATOUS DISEASE, CHRONIC, X-LINKED. Identifiers: Orphanet 379, MedGen C1844376, MONDO:0010600, OMIM 306400.

Submission:

Labcorp Genetics (formerly Invitae), Labcorp
Classification: Pathogenic for Granulomatous disease, chronic, X-linked. Last evaluated: 2025-04-07. Review status: criteria provided, single submitter. Criteria: Invitae Variant Classification Sherloc (09022015). Collection method: clinical testing. Allele origin: germline.
Comment: This sequence change replaces aspartic acid, which is acidic and polar, with glutamic acid, which is acidic and polar, at codon 500 of the CYBB protein (p.Asp500Glu). This variant is not present in population databases (gnomAD no frequency). This missense change has been observed in individuals with clinical features of chronic granulomatous disease (PMID: 18546332, 22125116; internal data). ClinVar contains an entry for this variant (Variation ID: 2138524). Invitae Evidence Modeling of protein sequence and biophysical properties (such as structural, functional, and spatial information, amino acid conservation, physicochemical variation, residue mobility, and thermodynamic stability) has been performed for this missense variant. However, the output from this modeling did not meet the statistical confidence thresholds required to predict the impact of this variant on CYBB protein function. Experimental studies have shown that this missense change affects CYBB function (PMID: 22125116). This variant disrupts the p.Asp500 amino acid residue in CYBB. Other variant(s) that disrupt this residue have been determined to be pathogenic (PMID: 18546332, 29560547). This suggests that this residue is clinically significant, and that variants that disrupt this residue are likely to be disease-causing. For these reasons, this variant has been classified as Pathogenic.

Literature cited by the submitters: PubMed 18546332; PubMed 22125116; PubMed 29560547.